The following is an entry in ClinVar:

NM_001372078.1(REV3L):c.8796-6G>A

Gene: REV3L (REV3 like, DNA directed polymerase zeta catalytic subunit; minus strand). Cytogenetic location: 6q21.
Variant type: single nucleotide variant.
Coding change: c.8796-6G>A on transcript NM_001372078.1 (MANE Select); 6 bases into the intron before coding-DNA position 8796, G replaced by A.
Molecular consequence: intron variant.
Genome position (GRCh38, 1-based): chr6:111,310,105, C>T on the plus strand (G>A on the coding strand, the complement: REV3L is on the minus strand). VCF-style: chr6-111310105-C-T. GRCh37 (hg19) VCF-style: chr6-111631308-C-T.
Other names: c.8796-6G>A (NM_002912.5); c.8562-6G>A (NM_001286432.2, NM_001286431.2).
Identifiers: ClinVar variation 788998 (VCV000788998.6), dbSNP rs3218603, ClinGen allele CA3961159.

ClinVar aggregate classification (germline): Benign. Review status: criteria provided, single submitter (1 of 4 stars). 2 submissions from 2 submitters: Benign (1). 1 of the submissions does not count toward it. Last evaluated 2019-12-31.

Conditions:
REV3L-related disorder. Also called: REV3L-related condition.

Allele frequency attached by ClinVar (database versions not stated): gnomAD exomes 0.00084 and 0.00399; ESP Exome Variant Server 0.00169; gnomAD 0.00268 and 0.00273; TOPMed 0.00419; ExAC 0.00451; 1000 Genomes Project 0.00519; 1000 Genomes Project 30x 0.00547.
gnomAD v4.1: 1,533 of 1,490,546 alleles (0.1%); highest among the groups gnomAD compares: Admixed American, 2.2%; 25 homozygotes.

Submissions (2):

Labcorp Genetics (formerly Invitae), Labcorp
Classification: Benign. Last evaluated: 2019-12-31. Review status: criteria provided, single submitter. Criteria: Invitae Variant Classification Sherloc (09022015). Collection method: clinical testing. Allele origin: germline.

PreventionGenetics, part of Exact Sciences
Classification: Benign for REV3L-related condition. Last evaluated: 2019-09-05. Review status: no assertion criteria provided. Collection method: clinical testing. Allele origin: germline. Not counted in ClinVar's aggregate classification.
Comment: This variant is classified as benign based on ACMG/AMP sequence variant interpretation guidelines (Richards et al. 2015 PMID: 25741868, with internal and published modifications).